The following is an entry in ClinVar:

ClinVar aggregate classification (germline): Uncertain significance (1 of 4 stars; one submission).

Allele frequency attached by ClinVar (database versions not stated): gnomAD 0.00001 and 0.00004; TOPMed 0.00004; gnomAD exomes 0.00007 and 0.00011; ExAC 0.00011; 1000 Genomes Project 30x 0.00016; 1000 Genomes Project 0.00020.

Submission:

Women's Health and Genetics/Laboratory Corporation of America, LabCorp
Classification: Uncertain significance. Last evaluated: 2022-06-29. Review status: criteria provided, single submitter. Criteria: LabCorp Variant Classification Summary - May 2015. Collection method: clinical testing. Allele origin: germline.
Comment: Variant summary: CRLF1 c.646C>T (p.Arg216Cys) results in a non-conservative amino acid change located in the Fibronectin type III domain of the encoded protein sequence. Four of five in-silico tools predict a damaging effect of the variant on protein function. The variant allele was found at a frequency of 0.00011 in 251236 control chromosomes. This frequency is not significantly higher than expected for a pathogenic variant in CRLF1 causing Cold-Induced Sweating Syndrome (0.00011 vs 0.0011), allowing no conclusion about variant significance. c.646C>T has been reported in the literature in at least one individual affected with Cold-Induced Sweating Syndrome. This report does not provide unequivocal conclusions about association of the variant with Cold-Induced Sweating Syndrome. To our knowledge, no experimental evidence demonstrating an impact on protein function has been reported. No clinical diagnostic laboratories have submitted clinical-significance assessments for this variant to ClinVar after 2014. Based on the evidence outlined above, the variant was classified as uncertain significance.

Literature cited by the submitters: PubMed 27976805.

NM_004750.5(CRLF1):c.646C>T (p.Arg216Cys)

Gene: CRLF1 (cytokine receptor like factor 1; minus strand). Cytogenetic location: 19p13.11.
Variant type: single nucleotide variant.
Coding change: c.646C>T on transcript NM_004750.5 (MANE Select); coding-DNA position 646, C replaced by T.
Protein change: p.Arg216Cys; replaces arginine 216 with cysteine.
Molecular consequence: missense variant.
Genome position (GRCh38, 1-based): chr19:18,598,483, G>A on the plus strand (C>T on the coding strand, the complement: CRLF1 is on the minus strand). VCF-style: chr19-18598483-G-A. GRCh37 (hg19) VCF-style: chr19-18709293-G-A.
Other names: short protein forms R216C.
Identifiers: ClinVar variation 1698661 (VCV001698661.1), dbSNP rs556029569, ClinGen allele CA9314177.
Genomic context (GRCh38, chr19:18,598,483, plus strand): 5'-GGGGCTCACCCACATCCAGGATATCCAGCGTGAGTACATCGGAGCGGGCAGAGCCCAGGC[G>A]GTTGGTGGCCTCCACCCAGATCTCATAGGGCGTAAAGAGAGCCAGGTCCTTGGGGATGTG-3'
Protein context (NP_004741.1, residues 206-226): PYEIWVEATN[Arg216Cys]LGSARSDVLT